The following is an entry in ClinVar:

ClinVar aggregate classification (germline): Uncertain significance (1 of 4 stars; one submission).

Submission:

GeneDx
Classification: Uncertain significance. Last evaluated: 2023-06-07. Review status: criteria provided, single submitter. Criteria: GeneDx Variant Classification Process June 2021. Collection method: clinical testing. Allele origin: germline. Affected: yes.
Comment: Not observed at significant frequency in large population cohorts (gnomAD); In silico analysis supports that this missense variant has a deleterious effect on protein structure/function; Has not been previously published as pathogenic or benign to our knowledge

NM_015213.4(DENND5A):c.1607T>C (p.Ile536Thr)

Gene: DENND5A (DENN domain containing 5A; minus strand). Cytogenetic location: 11p15.4.
Variant type: single nucleotide variant.
Coding change: c.1607T>C on transcript NM_015213.4 (MANE Select); coding-DNA position 1607, T replaced by C.
Protein change: p.Ile536Thr; replaces isoleucine 536 with threonine.
Molecular consequence: missense variant. On other transcripts: non-coding transcript variant (1).
Genome position (GRCh38, 1-based): chr11:9,178,922, A>G on the plus strand (T>C on the coding strand, the complement: DENND5A is on the minus strand). VCF-style: chr11-9178922-A-G. GRCh37 (hg19) VCF-style: chr11-9200469-A-G.
Other names: c.1607T>C, p.Ile536Thr (NM_001243254.2); c.1535T>C, p.Ile512Thr (NM_001348749.2); c.1319T>C, p.Ile440Thr (NM_001348750.2); short protein forms I440T, I512T, I536T.
Identifiers: ClinVar variation 3359443 (VCV003359443.1).
Genomic context (GRCh38, chr11:9,178,922, plus strand): 5'-TCAAAGTTTTGCATTTGCTCCCTGTTGGTAAACCAGGATTCCTTATCCTGGCTGGGTTGG[A>G]TGACAAACACCTCATAATCTGCAAACATCTGAGTGAAACGATTTGCAAAAACTTCCCGGA-3'
Protein context (NP_056028.2, residues 526-546): QMFADYEVFV[Ile536Thr]QPSQDKESWF